The following is an entry in ClinVar:

ClinVar aggregate classification (germline): Uncertain significance (1 of 4 stars; one submission).

Conditions:
Ehlers-Danlos syndrome, classic type, 1 (EDSCL1). Also called: Ehlers-Danlos Syndrome, Classic Type, COL5A1-Related; EHLERS-DANLOS SYNDROME, GRAVIS TYPE; EHLERS-DANLOS SYNDROME, SEVERE CLASSIC TYPE; Ehlers-Danlos syndrome, type 1; EDS I. Identifiers: MedGen C0268335, MONDO:0019567, OMIM 130000.
Osteogenesis imperfecta type I (OI1). Also called: OI, TYPE I; OSTEOGENESIS IMPERFECTA TARDA; OSTEOGENESIS IMPERFECTA WITH BLUE SCLERAE; Osteogenesis imperfecta type 1; Classic Non-deforming Osteogenesis Imperfecta with Blue Sclerae; Lobstein's Disease. Identifiers: Orphanet 216796, Orphanet 666, MedGen C0023931, MONDO:0008146, OMIM 166200. Disease mechanism: loss of function.

Submission:

Labcorp Genetics (formerly Invitae), Labcorp
Classification: Uncertain significance for Osteogenesis imperfecta type I; Ehlers-Danlos syndrome, classic type, 1. Last evaluated: 2022-06-20. Review status: criteria provided, single submitter. Criteria: Invitae Variant Classification Sherloc (09022015). Collection method: clinical testing. Allele origin: germline.
Comment: In summary, the available evidence is currently insufficient to determine the role of this variant in disease. Therefore, it has been classified as a Variant of Uncertain Significance. Variants that disrupt the consensus splice site are a relatively common cause of aberrant splicing (PMID: 17576681, 9536098). Studies have shown that this variant results in the activation of a cryptic splice site in intron 33 (PMID: 8456807). This variant has been observed in individual(s) with clinical features of osteogenesis imperfecta (PMID: 8456807, 30715774). This variant is not present in population databases (gnomAD no frequency). This sequence change falls in intron 33 of the COL1A2 gene. It does not directly change the encoded amino acid sequence of the COL1A2 protein. RNA analysis indicates that this variant induces altered splicing and likely results in the gain of 6 amino acid residue(s), but is expected to preserve the integrity of the reading-frame.

Literature cited by the submitters: PubMed 17576681; PubMed 9536098; PubMed 8456807; PubMed 30715774.

NM_000089.4(COL1A2):c.2025+4A>G

Gene: COL1A2 (collagen type I alpha 2 chain; plus strand). Cytogenetic location: 7q21.3.
Variant type: single nucleotide variant.
Coding change: c.2025+4A>G on transcript NM_000089.4 (MANE Select); 4 bases into the intron after coding-DNA position 2025, A replaced by G.
Molecular consequence: intron variant.
Genome position (GRCh38, 1-based): chr7:94,418,556, A>G. VCF-style: chr7-94418556-A-G. GRCh37 (hg19) VCF-style: chr7-94047868-A-G.
Identifiers: ClinVar variation 2136568 (VCV002136568.4), dbSNP rs72658156, ClinGen allele CA162931258.
Genomic context (GRCh38, chr7:94,418,556, plus strand): 5'-CAGGGTGAACCTGGTCTCAGAGGTGAAATTGGTAACCCTGGCAGAGATGGTGCTCGTGTG[A>G]GTAGAATTTTGTTTGTATGTTTCTTCGTACTTGGATTTTTTTTTTATGTTTGAATTGAGA-3'